The following is an entry in ClinVar:

ClinVar aggregate classification (germline): Uncertain significance (1 of 4 stars; one submission).

Conditions:
Pure or complex autosomal recessive spastic paraplegia. Identifiers: Orphanet 320346, MedGen C5679887, MONDO:0017915.

Submission:

Labcorp Genetics (formerly Invitae), Labcorp
Classification: Uncertain significance for Pure or complex autosomal recessive spastic paraplegia. Last evaluated: 2024-09-28. Review status: criteria provided, single submitter. Criteria: Invitae Variant Classification Sherloc (09022015). Collection method: clinical testing. Allele origin: germline.
Comment: This sequence change replaces leucine, which is neutral and non-polar, with arginine, which is basic and polar, at codon 1021 of the ZFR protein (p.Leu1021Arg). This variant is not present in population databases (gnomAD no frequency). This variant has not been reported in the literature in individuals affected with ZFR-related conditions. Experimental studies and prediction algorithms are not available or were not evaluated, and the functional significance of this variant is currently unknown. In summary, the available evidence is currently insufficient to determine the role of this variant in disease. Therefore, it has been classified as a Variant of Uncertain Significance.

NM_016107.5(ZFR):c.3062T>G (p.Leu1021Arg)

Gene: ZFR (zinc finger RNA binding protein; minus strand). Cytogenetic location: 5p13.3.
Variant type: single nucleotide variant.
Coding change: c.3062T>G on transcript NM_016107.5 (MANE Select); coding-DNA position 3062, T replaced by G.
Protein change: p.Leu1021Arg; replaces leucine 1021 with arginine.
Molecular consequence: missense variant. On other transcripts: non-coding transcript variant (1).
Genome position (GRCh38, 1-based): chr5:32,355,923, A>C on the plus strand (T>G on the coding strand, the complement: ZFR is on the minus strand). VCF-style: chr5-32355923-A-C. GRCh37 (hg19) VCF-style: chr5-32356029-A-C.
Other names: short protein forms L1021R.
Identifiers: ClinVar variation 3721697 (VCV003721697.2).